The following is an entry in ClinVar:

NM_002972.4(SBF1):c.1161C>T (p.His387=)

Gene: SBF1 (SET binding factor 1; minus strand). Cytogenetic location: 22q13.33.
Variant type: single nucleotide variant.
Coding change: c.1161C>T on transcript NM_002972.4 (MANE Select); coding-DNA position 1161, C replaced by T.
Protein change: p.His387=; no amino-acid change (histidine 387 retained).
Molecular consequence: synonymous variant.
Genome position (GRCh38, 1-based): chr22:50,465,257, G>A on the plus strand (C>T on the coding strand, the complement: SBF1 is on the minus strand). VCF-style: chr22-50465257-G-A. GRCh37 (hg19) VCF-style: chr22-50903686-G-A.
Other names: c.1164C>T, p.His388= (NM_001365819.1); c.1161C>T (NM_002972.3).
Identifiers: ClinVar variation 1582173 (VCV001582173.11), dbSNP rs369261069, ClinGen allele CA10317804.

ClinVar aggregate classification (germline): Likely benign. Review status: criteria provided, multiple submitters, no conflicts (2 of 4 stars). 3 submissions from 3 submitters: Likely benign (2). 1 of the submissions does not count toward it. Last evaluated 2025-10-02.

Conditions:
SBF1-related disorder. Also called: SBF1-related condition.

Allele frequency attached by ClinVar (database versions not stated): TOPMed 0.00009; gnomAD 0.00010; gnomAD exomes 0.00015; ExAC 0.00026; ESP Exome Variant Server 0.00031.
gnomAD v4.1: 212 of 1,611,782 alleles (0.013%); highest among the groups gnomAD compares: East Asian, 0.054%; no homozygotes.

Submissions (3):

Labcorp Genetics (formerly Invitae), Labcorp
Classification: Likely benign. Last evaluated: 2025-10-02. Review status: criteria provided, single submitter. Criteria: Invitae Variant Classification Sherloc (09022015). Collection method: clinical testing. Allele origin: germline.

Blueprint Genetics
Classification: Likely benign. Last evaluated: 2024-11-11. Review status: criteria provided, single submitter. Criteria: ACMG Guidelines, 2015. Collection method: clinical testing. Allele origin: germline.

PreventionGenetics, part of Exact Sciences
Classification: Likely benign for SBF1-related condition. Last evaluated: 2023-03-27. Review status: no assertion criteria provided. Collection method: clinical testing. Allele origin: germline. Not counted in ClinVar's aggregate classification.
Comment: This variant is classified as likely benign based on ACMG/AMP sequence variant interpretation guidelines (Richards et al. 2015 PMID: 25741868, with internal and published modifications).